The following is an entry in ClinVar:

NM_001371986.1(UNC80):c.4649G>T (p.Cys1550Phe)

Gene: UNC80 (unc-80 homolog, NALCN channel complex subunit; plus strand). Cytogenetic location: 2q34.
Variant type: single nucleotide variant.
Coding change: c.4649G>T on transcript NM_001371986.1 (MANE Select); coding-DNA position 4649, G replaced by T.
Protein change: p.Cys1550Phe; replaces cysteine 1550 with phenylalanine.
Molecular consequence: missense variant.
Genome position (GRCh38, 1-based): chr2:209,904,832, G>T. VCF-style: chr2-209904832-G-T. GRCh37 (hg19) VCF-style: chr2-210769556-G-T.
Other names: c.4451G>T, p.Cys1484Phe (NM_032504.2); c.4436G>T, p.Cys1479Phe (NM_182587.4); short protein forms C1479F, C1484F, C1550F.
Identifiers: ClinVar variation 3367591 (VCV003367591.1).

ClinVar aggregate classification (germline): Uncertain significance (1 of 4 stars; one submission).

Submission:

GeneDx
Classification: Uncertain significance. Last evaluated: 2024-01-09. Review status: criteria provided, single submitter. Criteria: GeneDx Variant Classification Process June 2021. Collection method: clinical testing. Allele origin: germline. Affected: yes.
Comment: Not observed at significant frequency in large population cohorts (gnomAD); In silico analysis supports that this missense variant has a deleterious effect on protein structure/function; Has not been previously published as pathogenic or benign to our knowledge